The following is an entry in ClinVar:

ClinVar aggregate classification (germline): Uncertain significance (1 of 4 stars; one submission).

Submission:

Labcorp Genetics (formerly Invitae), Labcorp
Classification: Uncertain significance. Last evaluated: 2022-09-28. Review status: criteria provided, single submitter. Criteria: Invitae Variant Classification Sherloc (09022015). Collection method: clinical testing. Allele origin: germline.
Comment: A copy number gain of the genomic region encompassing the full coding sequence of the NRIP1 gene has been identified. The boundaries of this event are unknown as they extend beyond the assayed region for this gene and therefore may encompass additional genes. As the precise location of this event is unknown, it may be in tandem or it may be located elsewhere in the genome. This variant has not been reported in the literature in individuals affected with NRIP1-related conditions. In summary, the available evidence is currently insufficient to determine the role of this variant in disease. Therefore, it has been classified as a Variant of Uncertain Significance.

NC_000021.8:g.(?_15554059)_(16340513_?)dup

Genes: HSPA13 (heat shock protein family A (Hsp70) member 13; minus strand), LIPI (lipase I; minus strand), NRIP1 (nuclear receptor interacting protein 1; minus strand), RBM11 (RNA binding motif protein 11; plus strand), SAMSN1 (SAM domain, SH3 domain and nuclear localization signals 1; minus strand). Cytogenetic location: 21q11.2.
Variant type: Duplication.
Identifiers: ClinVar variation 2424688 (VCV002424688.3).